The following is an entry in ClinVar:

NM_017947.4(MOCOS):c.293G>A (p.Arg98His)

Gene: MOCOS (molybdenum cofactor sulfurase; plus strand). Cytogenetic location: 18q12.2.
Variant type: single nucleotide variant.
Coding change: c.293G>A on transcript NM_017947.4 (MANE Select); coding-DNA position 293, G replaced by A.
Protein change: p.Arg98His; replaces arginine 98 with histidine.
Molecular consequence: missense variant.
Genome position (GRCh38, 1-based): chr18:36,198,750, G>A. VCF-style: chr18-36198750-G-A. GRCh37 (hg19) VCF-style: chr18-33778713-G-A.
Other names: short protein forms R98H.
Identifiers: ClinVar variation 5005883 (VCV005005883.2).

ClinVar aggregate classification (germline): Uncertain significance (1 of 4 stars; one submission).

Conditions:
Xanthinuria type II. Also called: Xanthine dehydrogenase and aldehyde oxidase combined deficiency of; XDH and AOX dual deficiency. Identifiers: Orphanet 3467, Orphanet 93602, MedGen C1863688, MONDO:0011346, OMIM 603592.

gnomAD v4.1: 16 of 1,613,942 alleles (0.00099%); highest among the groups gnomAD compares: East Asian, 0.0045%; no homozygotes.

Submission:

Juno Genomics, Hangzhou Juno Genomics, Inc
Classification: Uncertain significance for Xanthinuria type II. Review status: criteria provided, single submitter. Criteria: ACMG Guidelines, 2015. Collection method: clinical testing. Allele origin: germline.
Comment: Absent from controls (or at extremely low frequency if recessive) in Genome Aggregation Database.;Multiple lines of computational evidence support a deleterious effect on the gene or gene product.